The following is an entry in ClinVar:

NM_022455.5(NSD1):c.4183A>G (p.Lys1395Glu)

Gene: NSD1 (nuclear receptor binding SET domain protein 1; plus strand). Cytogenetic location: 5q35.3.
Variant type: single nucleotide variant.
Coding change: c.4183A>G on transcript NM_022455.5 (MANE Select); coding-DNA position 4183, A replaced by G.
Protein change: p.Lys1395Glu; replaces lysine 1395 with glutamic acid.
Molecular consequence: missense variant.
Genome position (GRCh38, 1-based): chr5:177,238,498, A>G. VCF-style: chr5-177238498-A-G. GRCh37 (hg19) VCF-style: chr5-176665499-A-G.
Other names: c.3310A>G, p.Lys1104Glu (NM_001365684.2, NM_001409306.1, NM_001409307.1 and 3 more transcripts); c.4183A>G, p.Lys1395Glu (NM_001409301.1, NM_001409302.1, NM_001409303.1); c.3763A>G, p.Lys1255Glu (NM_001409304.1); c.3430A>G, p.Lys1144Glu (NM_001409305.1); short protein forms K1104E, K1395E, K1255E, K1144E.
Identifiers: ClinVar variation 3708169 (VCV003708169.2).

ClinVar aggregate classification (germline): Uncertain significance (1 of 4 stars; one submission).

Submission:

Labcorp Genetics (formerly Invitae), Labcorp
Classification: Uncertain significance. Last evaluated: 2024-05-23. Review status: criteria provided, single submitter. Criteria: Invitae Variant Classification Sherloc (09022015). Collection method: clinical testing. Allele origin: germline.
Comment: This sequence change replaces lysine, which is basic and polar, with glutamic acid, which is acidic and polar, at codon 1395 of the NSD1 protein (p.Lys1395Glu). This variant is not present in population databases (gnomAD no frequency). This variant has not been reported in the literature in individuals affected with NSD1-related conditions. Advanced modeling of protein sequence and biophysical properties (such as structural, functional, and spatial information, amino acid conservation, physicochemical variation, residue mobility, and thermodynamic stability) performed at Invitae indicates that this missense variant is not expected to disrupt NSD1 protein function with a negative predictive value of 80%. In summary, the available evidence is currently insufficient to determine the role of this variant in disease. Therefore, it has been classified as a Variant of Uncertain Significance.